The following is an entry in ClinVar:

NM_001148.6(ANK2):c.1226A>G (p.Asn409Ser)

Gene: ANK2 (ankyrin 2; plus strand). Cytogenetic location: 4q26.
Variant type: single nucleotide variant.
Coding change: c.1226A>G on transcript NM_001148.6 (MANE Select); coding-DNA position 1226, A replaced by G.
Protein change: p.Asn409Ser; replaces asparagine 409 with serine.
Molecular consequence: missense variant. On other transcripts: intron variant (5).
Genome position (GRCh38, 1-based): chr4:113,258,087, A>G. VCF-style: chr4-113258087-A-G. GRCh37 (hg19) VCF-style: chr4-114179243-A-G.
Other names: c.1163A>G, p.Asn388Ser (NM_001127493.3, NM_001354239.2, NM_001354243.2 and 14 more transcripts); c.1226A>G, p.Asn409Ser (NM_001354225.2, NM_001354228.2, NM_001354232.2 and 8 more transcripts); c.1271A>G, p.Asn424Ser (NM_001354230.2, NM_001354231.2, NM_001354237.2 and 5 more transcripts); c.1139A>G, p.Asn380Ser (NM_001354249.2, NM_001354260.2, NM_001354264.2 and 13 more transcripts); c.1184A>G, p.Asn395Ser (NM_001354261.2, NM_001386147.1, NM_001386160.1); c.1214A>G, p.Asn405Ser (NM_001386148.2, NM_001386186.2); c.1277A>G, p.Asn426Ser (NM_001386174.1); c.1253A>G, p.Asn418Ser (NM_001386175.1); and 4 more; short protein forms N380S, N388S, N395S, N397S, N405S, N409S, N418S, N424S.
Identifiers: ClinVar variation 1021585 (VCV001021585.5), dbSNP rs2050505540, ClinGen allele CA357927663.

ClinVar aggregate classification (germline): Uncertain significance (1 of 4 stars; one submission).

Conditions:
Long QT syndrome (LQTS). Identifiers: MedGen C0023976, MeSH D008133, MONDO:0002442. Disease mechanism: loss of function. Inheritance: Various modes of inheritance.

Allele frequency attached by ClinVar (database versions not stated): gnomAD 0.00001.
gnomAD v4.1: 1 of 1,614,052 alleles (0.000062%); highest among the groups gnomAD compares: Non-Finnish European, 0.000085%; no homozygotes.

Submission:

Labcorp Genetics (formerly Invitae), Labcorp
Classification: Uncertain significance for Long QT syndrome. Last evaluated: 2022-03-03. Review status: criteria provided, single submitter. Criteria: Invitae Variant Classification Sherloc (09022015). Collection method: clinical testing. Allele origin: germline.
Comment: This sequence change replaces asparagine, which is neutral and polar, with serine, which is neutral and polar, at codon 409 of the ANK2 protein (p.Asn409Ser). This variant is not present in population databases (gnomAD no frequency). In summary, the available evidence is currently insufficient to determine the role of this variant in disease. Therefore, it has been classified as a Variant of Uncertain Significance. Algorithms developed to predict the effect of missense changes on protein structure and function are either unavailable or do not agree on the potential impact of this missense change (SIFT: "Tolerated"; PolyPhen-2: "Possibly Damaging"; Align-GVGD: "Class C0"). ClinVar contains an entry for this variant (Variation ID: 1021585). This variant has not been reported in the literature in individuals affected with ANK2-related conditions.